The following is an entry in ClinVar:

ClinVar aggregate classification (germline): Pathogenic. Review status: reviewed by expert panel (3 of 4 stars). 5 submissions from 5 submitters: Pathogenic (1). 4 of the submissions do not count toward it. Last evaluated 2020-03-30.

Conditions:
Glycogen storage disease, type II (IOPD). Also called: POMPE DISEASE, INFANTILE-ONSET; GLYCOGEN STORAGE DISEASE II, INFANTILE-ONSET; ACID ALPHA-GLUCOSIDASE DEFICIENCY, INFANTILE-ONSET; GAA DEFICIENCY, INFANTILE-ONSET; ACID MALTASE DEFICIENCY, INFANTILE-ONSET; CARDIOMEGALIA GLYCOGENICA DIFFUSA. Identifiers: Orphanet 365, MedGen C0017921, MONDO:0009290, OMIM 232300.

Allele frequency attached by ClinVar (database versions not stated): TOPMed below 0.00001; gnomAD exomes below 0.00001.

Submissions (5):

ClinGen Lysosomal Storage Disorder Variant Curation Expert Panel
Classification: Pathogenic for Glycogen storage disease, type II. Last evaluated: 2020-03-30. Review status: reviewed by expert panel. Criteria: ClinGen LSD ACMG Specifications v1. Collection method: curation. Allele origin: germline. Inheritance: Autosomal recessive inheritance.
Comment: The c.1438-2A>G variant alters the canonical acceptor splice site of intron 9 and has been shown by RT-PCR to causing skipping of exon 10, resulting in an in frame deletion that removes about 4% of the gene product (PMID 24158270). Exon 10 forms part of the GAA catalytic barrel, including two residues, Trp481 and Trp516, which are part of the GAA active site (PMIDs 1856189; 22253258; DOI 10.1101/212837). Therefore, loss of this exon is expected to abolish GAA activity, and PVS1 can be applied. The variant is absent in gnomAD v2.1.1, meeting PM2. This variant has been reported in two individuals with Pompe disease who meet the ClinGen LSD VCEP's specifications for PP4, and who are compound heterozygotes for this variant and a second pathogenic variant, c.-32-13T>G in one case (PMIDs 24158270), and c.955+1G>A in the other (PMID 29422078), meeting PM3. Other variants altering the same canonical splice site, c.1438-1G>T (PMID 18425781) and c.1438-1G>C (PMIDs 22538254, 24495340), have been reported in patients with Pompe disease. There is a ClinVar entry for this variant (Variation ID: 526521) with one submitters classifying the variant as pathogenic and one as likely pathogenic. In summary, this variant meets the criteria to be classified as Pathogenic for Pompe disease. GAA-specific ACMG/AMP criteria applied: PVS1, PM2, PM3, and PP4.

Genomenon, Inc
Classification: Pathogenic for Glycogen storage disease, type II. Last evaluated: 2026-07-01. Review status: criteria provided, single submitter. Criteria: Genomenon Sequence Variant Interpretation Standards - Updated. Collection method: curation. Allele origin: germline. Affected: yes. Not counted in ClinVar's aggregate classification.
Comment: GAA c.1438-2A>G is a canonical splice variant affecting the acceptor splice site of intron 9. It is predicted to affect mRNA splicing, leading to a deleterious effect on the GAA protein. This variant has been observed in at least one proband with a GAA-related disorder (PMID:33301762;29422078;24158270). At least one splicing study has demonstrated that this variant results in aberrant splicing (PMID:24158270). It is absent or not present at a significant frequency in gnomAD. In conclusion, we classify GAA c.1438-2A>G as a pathogenic variant.

Labcorp Genetics (formerly Invitae), Labcorp
Classification: Pathogenic for Glycogen storage disease, type II. Last evaluated: 2024-11-27. Review status: criteria provided, single submitter. Criteria: Invitae Variant Classification Sherloc (09022015). Collection method: clinical testing. Allele origin: germline. Not counted in ClinVar's aggregate classification.
Comment: This sequence change affects an acceptor splice site in intron 9 of the GAA gene. RNA analysis indicates that disruption of this splice site induces altered splicing and likely results in a shortened protein product. This variant is not present in population databases (gnomAD no frequency). Disruption of this splice site has been observed in individual(s) with late onset glycogen storage disease type II (PMID: 24158270). ClinVar contains an entry for this variant (Variation ID: 526521). Studies have shown that disruption of this splice site results in skipping of exon 10, but is expected to preserve the integrity of the reading-frame (PMID: 24158270). For these reasons, this variant has been classified as Pathogenic.

Natera, Inc.
Classification: Pathogenic for Glycogen storage disease type II. Last evaluated: 2020-08-03. Review status: no assertion criteria provided. Collection method: clinical testing. Allele origin: germline. Not counted in ClinVar's aggregate classification.

Counsyl
Classification: Likely pathogenic for Glycogen storage disease, type II. Last evaluated: 2017-04-21. Review status: no assertion criteria provided. Collection method: clinical testing. Allele origin: unknown. Not counted in ClinVar's aggregate classification.

Literature cited by the submitters: PubMed 33301762 (cited by Genomenon, Inc); PubMed 29422078 (cited by Genomenon, Inc); PubMed 24158270 (cited by 3 submitters).

NM_000152.5(GAA):c.1438-2A>G

Gene: GAA (alpha glucosidase; plus strand). Cytogenetic location: 17q25.3.
Variant type: single nucleotide variant.
Coding change: c.1438-2A>G on transcript NM_000152.5 (MANE Select); the canonical splice acceptor site of the intron before coding-DNA position 1438, A replaced by G.
Molecular consequence: splice acceptor variant.
Genome position (GRCh38, 1-based): chr17:80,110,725, A>G. VCF-style: chr17-80110725-A-G. GRCh37 (hg19) VCF-style: chr17-78084524-A-G.
Other names: c.1438-2A>G (NM_001406741.1, NM_001406742.1, NM_001079803.3 and 1 more transcripts).
Identifiers: ClinVar variation 526521 (VCV000526521.20), dbSNP rs1555600730, ClinGen allele CA401366755.
Genomic context (GRCh38, chr17:80,110,725, plus strand): 5'-GGGGCTTCCATGCAGGCCCTGGGTGGGGCCGGGTCTCCCCACTGCAGCCTCTCGTTGTCC[A>G]GGTATGGCCCGGGTCCACTGCCTTCCCCGACTTCACCAACCCCACAGCCCTGGCCTGGTG-3'